The following is an entry in ClinVar:

ClinVar aggregate classification (germline): Likely pathogenic (1 of 4 stars; one submission).

Conditions:
USH2A-related disorder. Also called: USH2A-related condition; USH2A-related disorders. Identifiers: MedGen CN239332.

Submission:

PreventionGenetics, part of Exact Sciences
Classification: Likely pathogenic for USH2A-related condition. Last evaluated: 2025-11-01. Review status: criteria provided, single submitter. Criteria: ACMG Guidelines, 2015. Collection method: clinical testing. Allele origin: germline.
Comment: The USH2A c.9897delT variant is predicted to result in a frameshift and premature protein termination (p.Ile3299Metfs*2). To our knowledge, this variant has not been reported in the literature or in a large population database (gnomAD), indicating this variant is rare. Frameshift variants in USH2A are expected to be pathogenic. This variant is interpreted as likely pathogenic.

NM_206933.4(USH2A):c.9897del (p.Ile3299fs)

Gene: USH2A (usherin; minus strand). Cytogenetic location: 1q41.
Variant type: Deletion.
Coding change: c.9897del on transcript NM_206933.4 (MANE Select); coding-DNA position 9897, one base deleted (T; older notation c.9897delT).
Protein change: p.Ile3299fs; shifts the reading frame from isoleucine 3299.
Molecular consequence: frameshift variant.
Genome position (GRCh38, 1-based): chr1:215,798,968, A deleted on the plus strand (T on the coding strand, the reverse complement: USH2A is on the minus strand); the first of 2 consecutive A bases (chr1:215,798,968-215,798,969); deleting either gives the same sequence. VCF-style (leftmost placement, unchanged base first): chr1-215798967-CA-C. GRCh37 (hg19) VCF-style: chr1-215972309-CA-C.
Other names: short protein forms I3299fs.
Identifiers: ClinVar variation 4992257 (VCV004992257.1).